The following is an entry in ClinVar:

NM_004336.5(BUB1):c.1014A>T (p.Pro338=)

Gene: BUB1 (BUB1 mitotic checkpoint serine/threonine kinase; minus strand). Cytogenetic location: 2q13.
Variant type: single nucleotide variant.
Coding change: c.1014A>T on transcript NM_004336.5 (MANE Select); coding-DNA position 1014, A replaced by T.
Protein change: p.Pro338=; no amino-acid change (proline 338 retained).
Molecular consequence: synonymous variant.
Genome position (GRCh38, 1-based): chr2:110,661,785, T>A on the plus strand (A>T on the coding strand, the complement: BUB1 is on the minus strand). VCF-style: chr2-110661785-T-A. GRCh37 (hg19) VCF-style: chr2-111419362-T-A.
Other names: c.954A>T, p.Pro318= (NM_001278616.2); c.1014A>T, p.Pro338= (NM_001278617.2).
Identifiers: ClinVar variation 3654051 (VCV003654051.2).

ClinVar aggregate classification (germline): Uncertain significance (1 of 4 stars; one submission).

gnomAD v4.1: 4 of 1,614,218 alleles (0.00025%); highest among the groups gnomAD compares: African/African-American, 0.004%; no homozygotes.

Submission:

Labcorp Genetics (formerly Invitae), Labcorp
Classification: Uncertain significance. Last evaluated: 2024-08-24. Review status: criteria provided, single submitter. Criteria: Invitae Variant Classification Sherloc (09022015). Collection method: clinical testing. Allele origin: germline.
Comment: This sequence change affects codon 338 of the BUB1 mRNA. It is a 'silent' change, meaning that it does not change the encoded amino acid sequence of the BUB1 protein. This variant is not present in population databases (gnomAD no frequency). This variant has not been reported in the literature in individuals affected with BUB1-related conditions. Algorithms developed to predict the effect of sequence changes on RNA splicing suggest that this variant may create or strengthen a splice site. In summary, the available evidence is currently insufficient to determine the role of this variant in disease. Therefore, it has been classified as a Variant of Uncertain Significance.